The following is an entry in ClinVar:

NM_025207.5(FLAD1):c.270G>C (p.Gln90His)

Gene: FLAD1 (flavin adenine dinucleotide synthetase 1; plus strand). Cytogenetic location: 1q21.3.
Variant type: single nucleotide variant.
Coding change: c.270G>C on transcript NM_025207.5 (MANE Select); coding-DNA position 270, G replaced by C.
Protein change: p.Gln90His; replaces glutamine 90 with histidine.
Molecular consequence: missense variant. On other transcripts: 5 prime UTR variant (3).
Genome position (GRCh38, 1-based): chr1:154,983,964, G>C. VCF-style: chr1-154983964-G-C. GRCh37 (hg19) VCF-style: chr1-154956440-G-C.
Other names: c.-22G>C (NM_001184891.2, NM_201398.3); c.-667G>C (NM_001184892.2); short protein forms Q90H.
Identifiers: ClinVar variation 3367708 (VCV003367708.1).

ClinVar aggregate classification (germline): Uncertain significance (1 of 4 stars; one submission).

Submission:

GeneDx
Classification: Uncertain significance. Last evaluated: 2024-01-11. Review status: criteria provided, single submitter. Criteria: GeneDx Variant Classification Process June 2021. Collection method: clinical testing. Allele origin: germline. Affected: yes.
Comment: Not observed at significant frequency in large population cohorts (gnomAD); In silico analysis supports that this missense variant does not alter protein structure/function; Has not been previously published as pathogenic or benign to our knowledge